The following is an entry in ClinVar:

ClinVar aggregate classification (germline): Uncertain significance. Review status: criteria provided, single submitter (1 of 4 stars). 2 submissions from 2 submitters: Uncertain significance (1). 1 of the submissions does not count toward it. Last evaluated 2022-08-08.

Conditions:
Abetalipoproteinaemia (ABL). Also called: Abetalipoproteinemia; Abetalipoproteinemia neuropathy; Apolipoprotein B deficiency; Congenital betalipoprotein deficiency syndrome; MTP DEFICIENCY. Identifiers: Orphanet 14, MedGen C0000744, MONDO:0008692, OMIM 200100, HP:0008181.

Allele frequency attached by ClinVar (database versions not stated): gnomAD 0.00001; TOPMed 0.00003.

Submissions (2):

Labcorp Genetics (formerly Invitae), Labcorp
Classification: Uncertain significance. Last evaluated: 2022-08-08. Review status: criteria provided, single submitter. Criteria: Invitae Variant Classification Sherloc (09022015). Collection method: clinical testing. Allele origin: germline.
Comment: This sequence change replaces methionine, which is neutral and non-polar, with threonine, which is neutral and polar, at codon 111 of the MTTP protein (p.Met111Thr). This variant is not present in population databases (gnomAD no frequency). This variant has not been reported in the literature in individuals affected with MTTP-related conditions. ClinVar contains an entry for this variant (Variation ID: 1019999). Algorithms developed to predict the effect of missense changes on protein structure and function (SIFT, PolyPhen-2, Align-GVGD) all suggest that this variant is likely to be tolerated. In summary, the available evidence is currently insufficient to determine the role of this variant in disease. Therefore, it has been classified as a Variant of Uncertain Significance.

Natera, Inc.
Classification: Uncertain significance for Abetalipoproteinemia. Last evaluated: 2020-07-21. Review status: no assertion criteria provided. Collection method: clinical testing. Allele origin: germline. Not counted in ClinVar's aggregate classification.

NM_001386140.1(MTTP):c.332T>C (p.Met111Thr)

Gene: MTTP (microsomal triglyceride transfer protein; plus strand). Cytogenetic location: 4q23.
Variant type: single nucleotide variant.
Coding change: c.332T>C on transcript NM_001386140.1 (MANE Select); coding-DNA position 332, T replaced by C.
Protein change: p.Met111Thr; replaces methionine 111 with threonine.
Molecular consequence: missense variant.
Genome position (GRCh38, 1-based): chr4:99,583,456, T>C. VCF-style: chr4-99583456-T-C. GRCh37 (hg19) VCF-style: chr4-100504613-T-C.
Other names: c.332T>C, p.Met111Thr (NM_000253.4); c.83T>C, p.Met28Thr (NM_001300785.2); short protein forms M111T, M28T.
Identifiers: ClinVar variation 1019999 (VCV001019999.3), dbSNP rs1283368181, ClinGen allele CA357502289.